The following is an entry in ClinVar:

ClinVar aggregate classification (germline): Uncertain significance (1 of 4 stars; one submission).

Conditions:
Myopathy, proximal, and ophthalmoplegia (CMYO6). Also called: MYOPATHY WITH CONGENITAL JOINT CONTRACTURES, OPHTHALMOPLEGIA, AND RIMMED VACUOLES; INCLUSION BODY MYOPATHY 3, AUTOSOMAL DOMINANT; CONGENITAL MYOPATHY 6 WITH OPHTHALMOPLEGIA. Identifiers: Orphanet 363677, Orphanet 79091, MedGen C1854106, MONDO:0011577, OMIM 605637.

Submission:

Labcorp Genetics (formerly Invitae), Labcorp
Classification: Uncertain significance for Myopathy, proximal, and ophthalmoplegia. Last evaluated: 2020-01-18. Review status: criteria provided, single submitter. Criteria: Invitae Variant Classification Sherloc (09022015). Collection method: clinical testing. Allele origin: germline.
Comment: In summary, the available evidence is currently insufficient to determine the role of this variant in disease. Therefore, it has been classified as a Variant of Uncertain Significance. This sequence change replaces glycine with aspartic acid at codon 234 of the MYH2 protein (p.Gly234Asp). The glycine residue is highly conserved and there is a moderate physicochemical difference between glycine and aspartic acid. This variant is not present in population databases (ExAC no frequency). This variant has not been reported in the literature in individuals with MYH2-related conditions. Algorithms developed to predict the effect of missense changes on protein structure and function (SIFT, PolyPhen-2, Align-GVGD) all suggest that this variant is likely to be disruptive, but these predictions have not been confirmed by published functional studies and their clinical significance is uncertain.

NM_017534.6(MYH2):c.701G>A (p.Gly234Asp)

Genes: MYHAS (myosin heavy chain gene cluster antisense RNA; plus strand), MYH2 (myosin heavy chain 2; minus strand), LOC126862501 (CDK7 strongly-dependent group 2 enhancer GRCh37_chr17:10446256-10447455; plus strand). Cytogenetic location: 17p13.1.
Variant type: single nucleotide variant.
Coding change: c.701G>A on transcript NM_017534.6 (MANE Select); coding-DNA position 701, G replaced by A.
Protein change: p.Gly234Asp; replaces glycine 234 with aspartic acid.
Molecular consequence: missense variant.
Genome position (GRCh38, 1-based): chr17:10,543,751, C>T on the plus strand (G>A on the coding strand, the complement: MYH2 is on the minus strand). VCF-style: chr17-10543751-C-T. GRCh37 (hg19) VCF-style: chr17-10447068-C-T.
Other names: c.701G>A, p.Gly234Asp (NM_001100112.2); short protein forms G234D.
Identifiers: ClinVar variation 1014891 (VCV001014891.5), dbSNP rs1567736673, ClinGen allele CA398168622.